The following is an entry in ClinVar:

NM_006397.3(RNASEH2A):c.427G>A (p.Val143Ile)

Gene: RNASEH2A (ribonuclease H2 subunit A; plus strand). Cytogenetic location: 19p13.13.
Variant type: single nucleotide variant.
Coding change: c.427G>A on transcript NM_006397.3 (MANE Select); coding-DNA position 427, G replaced by A.
Protein change: p.Val143Ile; replaces valine 143 with isoleucine.
Molecular consequence: missense variant.
Genome position (GRCh38, 1-based): chr19:12,810,086, G>A. VCF-style: chr19-12810086-G-A. GRCh37 (hg19) VCF-style: chr19-12920900-G-A.
Other names: short protein forms V143I.
Identifiers: ClinVar variation 858294 (VCV000858294.11), dbSNP rs1033081366, ClinGen allele CA305493120.

ClinVar aggregate classification (germline): Uncertain significance. Review status: criteria provided, multiple submitters, no conflicts (2 of 4 stars). 3 submissions from 3 submitters: Uncertain significance (3). Last evaluated 2025-11-11.

Conditions:
Aicardi-Goutieres syndrome 4. Identifiers: Orphanet 51, MedGen C1835912, MONDO:0012472, OMIM 610333.

Allele frequency attached by ClinVar (database versions not stated): gnomAD exomes below 0.00001; gnomAD 0.00003; TOPMed 0.00003.
gnomAD v4.1: 9 of 1,614,032 alleles (0.00056%); highest among the groups gnomAD compares: African/African-American, 0.008%; no homozygotes.

Submissions (3):

Labcorp Genetics (formerly Invitae), Labcorp
Classification: Uncertain significance for Aicardi-Goutieres syndrome 4. Last evaluated: 2025-11-11. Review status: criteria provided, single submitter. Criteria: Invitae Variant Classification Sherloc (09022015). Collection method: clinical testing. Allele origin: germline.
Comment: This sequence change replaces valine, which is neutral and non-polar, with isoleucine, which is neutral and non-polar, at codon 143 of the RNASEH2A protein (p.Val143Ile). This variant is present in population databases (no rsID available, gnomAD 0.02%). This variant has not been reported in the literature in individuals affected with RNASEH2A-related conditions. ClinVar contains an entry for this variant (Variation ID: 858294). Invitae Evidence Modeling of protein sequence and biophysical properties (such as structural, functional, and spatial information, amino acid conservation, physicochemical variation, residue mobility, and thermodynamic stability) indicates that this missense variant is not expected to disrupt RNASEH2A protein function with a negative predictive value of 80%. In summary, the available evidence is currently insufficient to determine the role of this variant in disease. Therefore, it has been classified as a Variant of Uncertain Significance.

Blueprint Genetics
Classification: Uncertain significance. Last evaluated: 2023-05-26. Review status: criteria provided, single submitter. Criteria: ACMG Guidelines, 2015. Collection method: clinical testing. Allele origin: germline.

Fulgent Genetics
Classification: Uncertain significance for Aicardi-Goutieres syndrome 4. Last evaluated: 2022-05-12. Review status: criteria provided, single submitter. Criteria: ACMG Guidelines, 2015. Collection method: clinical testing. Allele origin: unknown.